The following is an entry in ClinVar:

ClinVar aggregate classification (germline): Uncertain significance (1 of 4 stars; one submission).

Conditions:
2-aminoadipic 2-oxoadipic aciduria (AAKAD). Also called: Aminoadipic aciduria; ALPHA-AMINOADIPIC AND ALPHA-KETOADIPIC ACIDURIA. Identifiers: Orphanet 79154, MedGen C1859817, MONDO:0008774, OMIM 204750.

Submission:

Labcorp Genetics (formerly Invitae), Labcorp
Classification: Uncertain significance for 2-aminoadipic 2-oxoadipic aciduria. Last evaluated: 2023-06-07. Review status: criteria provided, single submitter. Criteria: Invitae Variant Classification Sherloc (09022015). Collection method: clinical testing. Allele origin: unknown.
Comment: In summary, the available evidence is currently insufficient to determine the role of this variant in disease. Therefore, it has been classified as a Variant of Uncertain Significance. Experimental studies and prediction algorithms are not available or were not evaluated, and the functional significance of this variant is currently unknown. This variant has not been reported in the literature in individuals affected with DHTKD1-related conditions. This variant results in a copy number gain of the genomic region encompassing exon(s) 15-17 of the DHTKD1 gene. This region includes the termination codon of the gene. This copy number gain extends beyond the assayed region for this gene and therefore may encompass additional genes. As the precise location of this event is unknown, it may be in tandem or it may be located elsewhere in the genome.

NC_000010.10:g.(?_12160728)_(12162887_?)dup

Gene: DHTKD1 (dehydrogenase E1 and transketolase domain containing 1; plus strand). Cytogenetic location: 10p14.
Variant type: Duplication.
Identifiers: ClinVar variation 3244857 (VCV003244857.1).